The following is an entry in ClinVar:

ClinVar aggregate classification (germline): Uncertain significance. Review status: criteria provided, multiple submitters, no conflicts (2 of 4 stars). 2 submissions from 2 submitters: Uncertain significance (2). Last evaluated 2021-10-28.

Conditions:
Hereditary cancer-predisposing syndrome. Also called: Hereditary Cancer Syndrome; Neoplastic Syndromes, Hereditary; Hereditary neoplastic syndrome; Tumor predisposition. Identifiers: Orphanet 140162, MedGen C0027672, MeSH D009386, MONDO:0015356.
Gorlin syndrome. Also called: Nevoid Basal Cell Carcinoma Syndrome; Basal cell nevus syndrome. Identifiers: Orphanet 377, MedGen C0004779, MONDO:0007187.

Allele frequency attached by ClinVar (database versions not stated): gnomAD 0.00001; gnomAD exomes below 0.00001; TOPMed below 0.00001.
gnomAD v4.1: 2 of 1,613,974 alleles (0.00012%); highest among the groups gnomAD compares: Non-Finnish European, 0.00017%; no homozygotes.

Submissions (2):

Ambry Genetics
Classification: Uncertain significance for Hereditary cancer-predisposing syndrome. Last evaluated: 2021-10-28. Review status: criteria provided, single submitter. Criteria: Ambry Variant Classification Scheme 2023. Collection method: clinical testing. Allele origin: germline.
Comment: The p.D710G variant (also known as c.2129A>G), located in coding exon 14 of the PTCH1 gene, results from an A to G substitution at nucleotide position 2129. The aspartic acid at codon 710 is replaced by glycine, an amino acid with similar properties. This amino acid position is highly conserved in available vertebrate species. In addition, this alteration is predicted to be deleterious by in silico analysis. Since supporting evidence is limited at this time, the clinical significance of this alteration remains unclear.

Labcorp Genetics (formerly Invitae), Labcorp
Classification: Uncertain significance for Gorlin syndrome. Last evaluated: 2021-04-06. Review status: criteria provided, single submitter. Criteria: Invitae Variant Classification Sherloc (09022015). Collection method: clinical testing. Allele origin: germline.
Comment: This variant is not present in population databases (ExAC no frequency). This sequence change replaces aspartic acid with glycine at codon 710 of the PTCH1 protein (p.Asp710Gly). The aspartic acid residue is moderately conserved and there is a moderate physicochemical difference between aspartic acid and glycine. In summary, the available evidence is currently insufficient to determine the role of this variant in disease. Therefore, it has been classified as a Variant of Uncertain Significance. Advanced modeling of protein sequence and biophysical properties (such as structural, functional, and spatial information, amino acid conservation, physicochemical variation, residue mobility, and thermodynamic stability) performed at Invitae indicates that this missense variant is not expected to disrupt PTCH1 protein function. This variant has not been reported in the literature in individuals with PTCH1-related conditions. ClinVar contains an entry for this variant (Variation ID: 820774).

NM_000264.5(PTCH1):c.2129A>G (p.Asp710Gly)

Genes: PTCH1 (patched 1; minus strand), LOC100507346 (uncharacterized LOC100507346; plus strand). Cytogenetic location: 9q22.32.
Variant type: single nucleotide variant.
Coding change: c.2129A>G on transcript NM_000264.5 (MANE Select); coding-DNA position 2129, A replaced by G.
Protein change: p.Asp710Gly; replaces aspartic acid 710 with glycine.
Molecular consequence: missense variant. On other transcripts: non-coding transcript variant (2).
Genome position (GRCh38, 1-based): chr9:95,468,872, T>C on the plus strand (A>G on the coding strand, the complement: PTCH1 is on the minus strand). VCF-style: chr9-95468872-T-C. GRCh37 (hg19) VCF-style: chr9-98231154-T-C.
Other names: c.1931A>G, p.Asp644Gly (NM_001083602.3); c.2126A>G, p.Asp709Gly (NM_001083603.3); c.1676A>G, p.Asp559Gly (NM_001083604.3, NM_001083605.3, NM_001083606.3 and 1 more transcripts); c.1973A>G, p.Asp658Gly (NM_001354918.2); short protein forms D644G, D709G, D559G, D710G, D658G.
Identifiers: ClinVar variation 820774 (VCV000820774.12), dbSNP rs1402724349, ClinGen allele CA374115594.
Genomic context (GRCh38, chr9:95,468,872, plus strand): 5'-CACTTCGTACAGGGGGGCTCGAGGCAGTGGAGGCTGGAGTCGGAGAACTGGGAGAGCAGG[T>C]CCCTTGTGGAGCTGGTGCTCTCTGGGCTCTGGCAGCTGAGGGTGTCCTGTGTCACGGTGA-3'
Protein context (NP_000255.2, residues 700-720): QSPESTSSTR[Asp710Gly]LLSQFSDSSL